The following is an entry in ClinVar:

NM_000138.5(FBN1):c.1715-9T>A

Gene: FBN1 (fibrillin 1; minus strand). Cytogenetic location: 15q21.1.
Variant type: single nucleotide variant.
Coding change: c.1715-9T>A on transcript NM_000138.5 (MANE Select); 9 bases into the intron before coding-DNA position 1715, T replaced by A.
Molecular consequence: intron variant.
Genome position (GRCh38, 1-based): chr15:48,508,713, A>T on the plus strand (T>A on the coding strand, the complement: FBN1 is on the minus strand). VCF-style: chr15-48508713-A-T. GRCh37 (hg19) VCF-style: chr15-48800910-A-T.
Identifiers: ClinVar variation 380276 (VCV000380276.8), dbSNP rs1057520813, ClinGen allele CA16607105.
Genomic context (GRCh38, chr15:48,508,713, plus strand): 5'-TTGATACACATTCCATTAAGGCACATGTTCCTTATGCTGCATTCATCCATATCTGAAAAT[A>T]CAAAACATACATTTTCTTATGACCAGAAGAGTAAGCTTACGAAGGAAACCAATCTGGATG-3'

ClinVar aggregate classification (germline): Conflicting classifications of pathogenicity. Review status: criteria provided, conflicting classifications (1 of 4 stars). 4 submissions from 4 submitters: Uncertain significance (2); Likely benign (2). Last evaluated 2025-02-05.

Conditions:
Marfan syndrome (MFS). Also called: Marfan syndrome, classic; Marfan syndrome type 1; Marfan's syndrome; MARFAN SYNDROME, TYPE I; FBN1-Related Marfan Syndrome. Identifiers: Orphanet 284963, Orphanet 558, MedGen C0024796, MONDO:0007947, OMIM 154700.
Familial thoracic aortic aneurysm and aortic dissection (TAAD). Also called: Thoracic aortic aneurysms and dissections. Identifiers: Orphanet 91387, MedGen C4707243, MONDO:0019625.

Submissions (4):

Labcorp Genetics (formerly Invitae), Labcorp
Classification: Likely benign for Marfan syndrome; Familial thoracic aortic aneurysm and aortic dissection. Last evaluated: 2025-02-05. Review status: criteria provided, single submitter. Criteria: Invitae Variant Classification Sherloc (09022015). Collection method: clinical testing. Allele origin: germline.

All of Us Research Program, National Institutes of Health
Classification: Uncertain significance for Marfan syndrome. Last evaluated: 2023-07-10. Review status: criteria provided, single submitter. Criteria: ACMG Guidelines, 2015. Collection method: clinical testing. Allele origin: germline. Inheritance: Autosomal dominant inheritance. Observed: 2 variant alleles, 2 heterozygotes.
Comment: This variant causes a T to A nucleotide substitution at the -9 position of intron 14 of the FBN1 gene. Splice prediction tools are inconclusive regarding the impact of this variant on RNA splicing. To our knowledge, functional studies have not been reported for this variant. This variant has not been reported in individuals affected with cardiovascular disorders in the literature. This variant has not been identified in the general population by the Genome Aggregation Database (gnomAD). The available evidence is insufficient to determine the role of this variant in disease conclusively. Therefore, this variant is classified as a Variant of Uncertain Significance.

This study involves interpretation of variants in research participants for the purpose of population health screening. Participant phenotype was not available at the time of variant classification. Additional details can be found in publication PMID: 35346344, PMCID: PMC8962531

Color Diagnostics, LLC DBA Color Health
Classification: Uncertain significance for Familial thoracic aortic aneurysm and aortic dissection. Last evaluated: 2022-11-09. Review status: criteria provided, single submitter. Criteria: ACMG Guidelines, 2015. Collection method: clinical testing. Allele origin: germline.
Comment: This variant causes a T to A nucleotide substitution at the -9 position of intron 14 of the FBN1 gene. Splice prediction tools are inconclusive regarding the impact of this variant on RNA splicing. To our knowledge, functional studies have not been reported for this variant. This variant has not been reported in individuals affected with cardiovascular disorders in the literature. This variant has not been identified in the general population by the Genome Aggregation Database (gnomAD). The available evidence is insufficient to determine the role of this variant in disease conclusively. Therefore, this variant is classified as a Variant of Uncertain Significance.

GeneDx
Classification: Likely benign. Last evaluated: 2015-07-08. Review status: criteria provided, single submitter. Criteria: GeneDx Variant Classification (06012015). Collection method: clinical testing. Allele origin: germline. Affected: yes.
Comment: This variant is considered likely benign or benign based on one or more of the following criteria: it is a conservative change, it occurs at a poorly conserved position in the protein, it is predicted to be benign by multiple in silico algorithms, and/or has population frequency not consistent with disease.